The following is an entry in ClinVar:

NM_001042492.3(NF1):c.4890_4891insAT (p.Leu1631fs)

Gene: NF1 (neurofibromin 1; plus strand). Cytogenetic location: 17q11.2.
Variant type: Insertion.
Coding change: c.4890_4891insAT on transcript NM_001042492.3 (MANE Select); coding-DNA positions 4890 to 4891, AT inserted.
Protein change: p.Leu1631fs; shifts the reading frame from leucine 1631.
Molecular consequence: frameshift variant.
Genome position: GRCh38 VCF-style: chr17-31325873-C-CTA. GRCh37 (hg19) VCF-style: chr17-29652891-C-CTA.
Other names: c.4827_4828insAT, p.Leu1610fs (NM_000267.4); short protein forms L1610fs, L1631fs.
Identifiers: ClinVar variation 5025604 (VCV005025604.1).

ClinVar aggregate classification (germline): Pathogenic (1 of 4 stars; one submission).

Conditions:
Cardiovascular phenotype. Identifiers: MedGen CN230736.
Hereditary cancer-predisposing syndrome. Also called: Neoplastic Syndromes, Hereditary; Tumor predisposition; Hereditary neoplastic syndrome; Hereditary Cancer Syndrome. Identifiers: Orphanet 140162, MedGen C0027672, MeSH D009386, MONDO:0015356.

Submission:

Ambry Genetics
Classification: Pathogenic for Cardiovascular phenotype; Hereditary cancer-predisposing syndrome. Last evaluated: 2026-08-05. Review status: criteria provided, single submitter. Criteria: Ambry Variant Classification Scheme 2023. Collection method: clinical testing. Allele origin: germline.
Comment: The c.4827_4828insAT pathogenic mutation, located in coding exon 36 of the NF1 gene, results from an insertion of two nucleotides at position 4827, causing a translational frameshift with a predicted alternate stop codon (p.L1610Ifs*2). This variant was reported in individual(s) with features consistent with Neurofibromatosis type 1 (Ambry internal data). This variant is considered to be rare based on population cohorts in the Genome Aggregation Database (gnomAD). This variant is expected to result in loss of function by premature protein truncation or nonsense-mediated mRNA decay. As such, this variant is interpreted as a disease-causing mutation.